The following is an entry in ClinVar:

ClinVar aggregate classification (germline): Likely benign. Review status: criteria provided, multiple submitters, no conflicts (2 of 4 stars). 3 submissions from 3 submitters: Likely benign (3). Last evaluated 2024-11-15.

Conditions:
PRPF8-related disorder. Also called: PRPF8-related condition.

Allele frequency attached by ClinVar (database versions not stated): gnomAD 0.00001; ExAC 0.00002; gnomAD exomes 0.00002 and 0.00004; TOPMed 0.00002.

Submissions (3):

PreventionGenetics, part of Exact Sciences
Classification: Likely benign for PRPF8-related condition. Last evaluated: 2024-11-15. Review status: criteria provided, single submitter. Criteria: ACMG Guidelines, 2015. Collection method: clinical testing. Allele origin: germline.
Comment: This variant is classified as likely benign based on ACMG/AMP sequence variant interpretation guidelines (Richards et al. 2015 PMID: 25741868, with internal and published modifications).

Labcorp Genetics (formerly Invitae), Labcorp
Classification: Likely benign. Last evaluated: 2024-02-24. Review status: criteria provided, single submitter. Criteria: Invitae Variant Classification Sherloc (09022015). Collection method: clinical testing. Allele origin: germline.

Blueprint Genetics
Classification: Likely benign. Last evaluated: 2022-11-02. Review status: criteria provided, single submitter. Criteria: ACMG Guidelines, 2015. Collection method: clinical testing. Allele origin: germline.

NM_006445.4(PRPF8):c.5091G>A (p.Ser1697=)

Gene: PRPF8 (pre-mRNA processing factor 8; minus strand). Cytogenetic location: 17p13.3.
Variant type: single nucleotide variant.
Coding change: c.5091G>A on transcript NM_006445.4 (MANE Select); coding-DNA position 5091, G replaced by A.
Protein change: p.Ser1697=; no amino-acid change (serine 1697 retained).
Molecular consequence: synonymous variant.
Genome position (GRCh38, 1-based): chr17:1,659,404, C>T on the plus strand (G>A on the coding strand, the complement: PRPF8 is on the minus strand). VCF-style: chr17-1659404-C-T. GRCh37 (hg19) VCF-style: chr17-1562698-C-T.
Other names: c.5091G>A (NM_006445.3).
Identifiers: ClinVar variation 1645183 (VCV001645183.10), dbSNP rs746909576, ClinGen allele CA8271529.
Genomic context (GRCh38, chr17:1,659,404, plus strand): 5'-AGCCTCAACTCACCTGTGCAAGTTATAGGCCAGGTCAATGGCGATGAGTACACCTGTGGG[C>T]GAAGGGTAGATACTCATGTTGTCGGTGGTGTAGTCCAGGAACTTGGCCCGGGCGTAGCGC-3'
Protein context (NP_006436.3, residues 1687-1707): YTTDNMSIYP[Ser1697=]PTGVLIAIDL